The following is an entry in ClinVar:

NC_012920.1(MT-TA):m.5605A>G

Gene: MT-TA (mitochondrially encoded tRNA alanine; minus strand).
Variant type: single nucleotide variant.
Genome position: chrM-5605-A-G.
Identifiers: ClinVar variation 689955 (VCV000689955.1), dbSNP rs878963919, ClinGen allele CA337097202.

ClinVar aggregate classification (germline): Benign (1 of 4 stars; one submission).

Conditions:
MELAS syndrome (MELAS). Also called: Juvenile myopathy, encephalopathy, lactic acidosis, stroke. Identifiers: Orphanet 550, MedGen C0162671, MONDO:0010789, OMIM 540000.

Submission:

Wong Mito Lab, Molecular and Human Genetics, Baylor College of Medicine
Classification: Benign for MELAS syndrome. Last evaluated: 2019-07-12. Review status: criteria provided, single submitter. Criteria: Modified ACMG Guidelines (Unpublished). Collection method: clinical testing. Allele origin: germline.
Comment: The NC_012920.1:m.5605A>G variant in MT-TA gene is interpreted to be a Benign variant based on the modified ACMG guidelines (unpublished). This variant meets the following evidence codes reported in the guidelines: BS1, BS2, BP4

Literature cited by the submitters: PubMed 31965079.